The following is an entry in ClinVar:

ClinVar aggregate classification (germline): Uncertain significance. Review status: criteria provided, multiple submitters, no conflicts (2 of 4 stars). 6 submissions from 6 submitters: Uncertain significance (6). Last evaluated 2024-08-27.

Conditions:
Congenital disorder of glycosylation with defective fucosylation 1 (CDGF1). Identifiers: MedGen CN258220, MONDO:0020775, OMIM 618005.
Inborn genetic diseases. Identifiers: MedGen C0950123, MeSH D030342.

Allele frequency attached by ClinVar (database versions not stated): gnomAD 0.00004 and 0.00006; ExAC 0.00009; gnomAD exomes 0.00009 and 0.00012; TOPMed 0.00009; 1000 Genomes Project 30x 0.00016; 1000 Genomes Project 0.00020.
gnomAD v4.1: 193 of 1,613,010 alleles (0.012%); highest among the groups gnomAD compares: Middle Eastern, 0.45%; no homozygotes.

Submissions (6):

Blueprint Genetics
Classification: Uncertain significance. Last evaluated: 2024-08-27. Review status: criteria provided, single submitter. Criteria: ACMG Guidelines, 2015. Collection method: clinical testing. Allele origin: germline.

Ambry Genetics
Classification: Uncertain significance for Inborn genetic diseases. Last evaluated: 2022-07-05. Review status: criteria provided, single submitter. Criteria: Ambry Variant Classification Scheme 2023. Collection method: clinical testing. Allele origin: germline.

Labcorp Genetics (formerly Invitae), Labcorp
Classification: Uncertain significance. Last evaluated: 2022-01-07. Review status: criteria provided, single submitter. Criteria: Invitae Variant Classification Sherloc (09022015). Collection method: clinical testing. Allele origin: germline.
Comment: This sequence change replaces isoleucine, which is neutral and non-polar, with methionine, which is neutral and non-polar, at codon 74 of the FUT8 protein (p.Ile74Met). This variant is present in population databases (rs368415291, gnomAD 0.02%). This variant has not been reported in the literature in individuals affected with FUT8-related conditions. ClinVar contains an entry for this variant (Variation ID: 916157). Algorithms developed to predict the effect of missense changes on protein structure and function output the following: SIFT: "Tolerated"; PolyPhen-2: "Benign"; Align-GVGD: "Class C0". The methionine amino acid residue is found in multiple mammalian species, which suggests that this missense change does not adversely affect protein function. In summary, the available evidence is currently insufficient to determine the role of this variant in disease. Therefore, it has been classified as a Variant of Uncertain Significance.

Revvity Omics, Revvity
Classification: Uncertain significance for Congenital disorder of glycosylation with defective fucosylation 1. Last evaluated: 2021-03-09. Review status: criteria provided, single submitter. Criteria: ACMG Guidelines, 2015. Collection method: clinical testing. Allele origin: germline.

CeGaT Center for Human Genetics Tuebingen
Classification: Uncertain significance. Last evaluated: 2020-03-01. Review status: criteria provided, single submitter. Criteria: CeGaT Center For Human Genetics Tuebingen Variant Classification Criteria Version 2. Collection method: clinical testing. Allele origin: germline. Affected: yes. Observed: 1 variant allele.

Breakthrough Genomics
Classification: Uncertain significance. Review status: criteria provided, single submitter. Criteria: ACMG Guidelines, 2015. Collection method: not provided. Allele origin: germline. Inheritance: Autosomal recessive inheritance. Affected: yes.

NM_001371533.1(FUT8):c.222T>G (p.Ile74Met)

Gene: FUT8 (fucosyltransferase 8; plus strand). Cytogenetic location: 14q23.3.
Variant type: single nucleotide variant.
Coding change: c.222T>G on transcript NM_001371533.1 (MANE Select); coding-DNA position 222, T replaced by G.
Protein change: p.Ile74Met; replaces isoleucine 74 with methionine.
Molecular consequence: missense variant. On other transcripts: 5 prime UTR variant (1), non-coding transcript variant (1).
Genome position (GRCh38, 1-based): chr14:65,615,996, T>G. VCF-style: chr14-65615996-T-G. GRCh37 (hg19) VCF-style: chr14-66082714-T-G.
Other names: c.222T>G, p.Ile74Met (NM_001371534.1, NM_001371536.1, NM_178155.3 and 1 more transcripts); c.-268T>G (NM_004480.4); c.222T>G (NM_178155.2); short protein forms I74M.
Identifiers: ClinVar variation 916157 (VCV000916157.47), dbSNP rs368415291, ClinGen allele CA7233151.
Genomic context (GRCh38, chr14:65,615,996, plus strand): 5'-GTTTGAAAGCTAAATGTTTACATTATCTTCCCTAAACTACAGGATACCAGAAGGCCCTAT[T>G]GATCAGGGGCCAGCTATAGGAAGAGTACGCGTTTTAGAAGAGCAGCTTGTTAAGGCCAAA-3'
Protein context (NP_001358462.1, residues 64-84): AESLRIPEGP[Ile74Met]DQGPAIGRVR